The following is an entry in ClinVar:

NM_022089.4(ATP13A2):c.1422TGC[3] (p.Ala476_Met477insAla)

Gene: ATP13A2 (ATPase cation transporting 13A2; minus strand). Cytogenetic location: 1p36.13.
Variant type: Microsatellite.
Coding change: c.1422TGC[3] on transcript NM_022089.4 (MANE Select); three copies in a row of the 3-base unit TGC starting at c.1422; the reference has two copies in a row; one copy, 3 bases duplicated.
Protein change: p.Ala476_Met477insAla.
Molecular consequence: inframe insertion.
Genome position (GRCh38, 1-based): chr1:16,996,091-16,996,093, GCA duplicated on the plus strand (TGC on the coding strand, the reverse complement: ATP13A2 is on the minus strand); duplicating any 3 consecutive bases within chr1:16,996,091-16,996,097 gives the same sequence; the position shown is the placement nearest the transcript's 3' end. VCF-style (leftmost placement, unchanged base first): chr1-16996090-G-GGCA. GRCh37 (hg19) VCF-style: chr1-17322585-G-GGCA.
Other names: c.1407TGC[3], p.Ala471_Met472insAla (NM_001141973.3, NM_001141974.3).
Identifiers: ClinVar variation 2180262 (VCV002180262.4), dbSNP rs2523602294, ClinGen allele CA2580611137.

ClinVar aggregate classification (germline): Uncertain significance (1 of 4 stars; one submission).

Conditions:
Kufor-Rakeb syndrome (KRS). Also called: PARKINSON DISEASE 9, AUTOSOMAL RECESSIVE, JUVENILE-ONSET. Identifiers: Orphanet 306674, Orphanet 314632, MedGen C1847640, MONDO:0011706, OMIM 606693.
Autosomal recessive spastic paraplegia type 78. Identifiers: Orphanet 513436, MedGen C5567893, MONDO:0014975, OMIM 617225.

Submission:

Labcorp Genetics (formerly Invitae), Labcorp
Classification: Uncertain significance for Kufor-Rakeb syndrome; Autosomal recessive spastic paraplegia type 78. Last evaluated: 2022-07-22. Review status: criteria provided, single submitter. Criteria: Invitae Variant Classification Sherloc (09022015). Collection method: clinical testing. Allele origin: germline.
Comment: This variant has not been reported in the literature in individuals affected with ATP13A2-related conditions. This variant is not present in population databases (gnomAD no frequency). This variant, c.1425_1427dup, results in the insertion of 1 amino acid(s) of the ATP13A2 protein (p.Ala476dup), but otherwise preserves the integrity of the reading frame. In summary, the available evidence is currently insufficient to determine the role of this variant in disease. Therefore, it has been classified as a Variant of Uncertain Significance.